The following is an entry in ClinVar:

NM_007215.4(POLG2):c.514G>C (p.Glu172Gln)

Genes: MILR1 (mast cell immunoglobulin like receptor 1; plus strand), POLG2 (DNA polymerase gamma 2, accessory subunit; minus strand). Cytogenetic location: 17q23.3.
Variant type: single nucleotide variant.
Coding change: c.514G>C on transcript NM_007215.4 (MANE Select); coding-DNA position 514, G replaced by C.
Protein change: p.Glu172Gln; replaces glutamic acid 172 with glutamine.
Molecular consequence: missense variant.
Genome position (GRCh38, 1-based): chr17:64,496,455, C>G on the plus strand (G>C on the coding strand, the complement: POLG2 is on the minus strand). VCF-style: chr17-64496455-C-G. GRCh37 (hg19) VCF-style: chr17-62492573-C-G.
Other names: short protein forms E172Q.
Identifiers: ClinVar variation 2848785 (VCV002848785.3), dbSNP rs1555669519, ClinGen allele CA400640773.

ClinVar aggregate classification (germline): Uncertain significance (1 of 4 stars; one submission).

Allele frequency attached by ClinVar (database versions not stated): gnomAD exomes below 0.00001.
gnomAD v4.1: 2 of 1,596,618 alleles (0.00013%); highest among the groups gnomAD compares: Non-Finnish European, 0.00017%; no homozygotes.

Submission:

Labcorp Genetics (formerly Invitae), Labcorp
Classification: Uncertain significance. Last evaluated: 2023-03-23. Review status: criteria provided, single submitter. Criteria: Invitae Variant Classification Sherloc (09022015). Collection method: clinical testing. Allele origin: germline.
Comment: This sequence change replaces glutamic acid, which is acidic and polar, with glutamine, which is neutral and polar, at codon 172 of the POLG2 protein (p.Glu172Gln). This variant is not present in population databases (gnomAD no frequency). This variant has not been reported in the literature in individuals affected with POLG2-related conditions. An algorithm developed to predict the effect of missense changes on protein structure and function (PolyPhen-2) suggests that this variant is likely to be tolerated. In summary, the available evidence is currently insufficient to determine the role of this variant in disease. Therefore, it has been classified as a Variant of Uncertain Significance.